The following is an entry in ClinVar:

NM_001739.2(CA5A):c.143-9T>A

Gene: CA5A (carbonic anhydrase 5A; minus strand). Cytogenetic location: 16q24.2.
Variant type: single nucleotide variant.
Coding change: c.143-9T>A on transcript NM_001739.2 (MANE Select); 9 bases into the intron before coding-DNA position 143, T replaced by A.
Molecular consequence: intron variant.
Genome position (GRCh38, 1-based): chr16:87,926,954, A>T on the plus strand (T>A on the coding strand, the complement: CA5A is on the minus strand). VCF-style: chr16-87926954-A-T. GRCh37 (hg19) VCF-style: chr16-87960560-A-T.
Other names: c.143-9T>A (NM_001367225.1).
Identifiers: ClinVar variation 379947 (VCV000379947.18), dbSNP rs12922226, ClinGen allele CA8223604.

ClinVar aggregate classification (germline): Benign. Review status: criteria provided, multiple submitters, no conflicts (2 of 4 stars). 5 submissions from 5 submitters: Benign (4). 1 of the submissions does not count toward it. Last evaluated 2026-02-03.

Conditions:
Hyperammonemic encephalopathy due to carbonic anhydrase VA deficiency. Also called: Carbonic Anhydrase VA Deficiency; Carbonic anhydrase VA deficiency, hyperammonemia due to. Identifiers: Orphanet 401948, MedGen C4706871, MONDO:0014332, OMIM 615751.

Allele frequency attached by ClinVar (database versions not stated): 1000 Genomes Project 0.27796; 1000 Genomes Project 30x 0.28685; gnomAD exomes 0.37155; TOPMed 0.39134; gnomAD 0.40393 and 0.41434; ExAC 0.42988; ESP Exome Variant Server 0.43753.
gnomAD v4.1: 700,135 of 1,545,126 alleles (45%); highest among the groups gnomAD compares: Non-Finnish European, 50%; 168,394 homozygotes.

Submissions (6):

Labcorp Genetics (formerly Invitae), Labcorp
Classification: Benign for Hyperammonemic encephalopathy due to carbonic anhydrase VA deficiency. Last evaluated: 2026-02-03. Review status: criteria provided, single submitter. Criteria: Invitae Variant Classification Sherloc (09022015). Collection method: clinical testing. Allele origin: germline.

Genome-Nilou Lab
Classification: Benign for Hyperammonemic encephalopathy due to carbonic anhydrase VA deficiency. Last evaluated: 2021-07-14. Review status: criteria provided, single submitter. Criteria: ACMG Guidelines, 2015. Collection method: clinical testing. Allele origin: germline. Affected: no.

GeneDx
Classification: Benign. Last evaluated: 2016-01-05. Review status: criteria provided, single submitter. Criteria: GeneDx Variant Classification (06012015). Collection method: clinical testing. Allele origin: germline. Affected: yes.
Comment: This variant is considered likely benign or benign based on one or more of the following criteria: it is a conservative change, it occurs at a poorly conserved position in the protein, it is predicted to be benign by multiple in silico algorithms, and/or has population frequency not consistent with disease.

Breakthrough Genomics
Classification: Benign. Review status: criteria provided, single submitter. Criteria: ACMG Guidelines, 2015. Collection method: not provided. Allele origin: germline. Inheritance: Autosomal recessive inheritance. Affected: yes.

Mayo Clinic Laboratories, Mayo Clinic
Classification: Benign. Last evaluated: 2016-02-19. Review status: no assertion criteria provided. Collection method: clinical testing. Allele origin: unknown. Not counted in ClinVar's aggregate classification.

Dr. Peter K. Rogan Lab, Western University
No classification provided (evidence only). Condition: Familial cancer of breast. Review status: no classification provided. Collection method: in vitro. Allele origin: not applicable. Functional consequence: retained intron. Not counted in ClinVar's aggregate classification.